The following is an entry in ClinVar:

ClinVar aggregate classification (germline): Uncertain significance. Review status: criteria provided, multiple submitters, no conflicts (2 of 4 stars). 4 submissions from 4 submitters: Uncertain significance (4). Last evaluated 2026-04-08.

Conditions:
Charcot-Marie-Tooth disease type 1C. Also called: CHARCOT-MARIE-TOOTH DISEASE, DEMYELINATING, TYPE 1C; CMT, SLOW NERVE CONDUCTION TYPE C; HMSN IC; NEUROPATHY, HEREDITARY MOTOR AND SENSORY, TYPE IC; CHARCOT-MARIE-TOOTH NEUROPATHY, TYPE 1C; Charcot-Marie-Tooth disease, type IC. Identifiers: Orphanet 101083, MedGen C0270913, MONDO:0010995, OMIM 601098.
LITAF-related disorder. Also called: LITAF-related condition.

Allele frequency attached by ClinVar (database versions not stated): gnomAD 0.00003 and 0.00004; gnomAD exomes 0.00003 and 0.00004; TOPMed 0.00003; ExAC 0.00004; 1000 Genomes Project 30x 0.00031; 1000 Genomes Project 0.00040.
gnomAD v4.1: 46 of 1,614,152 alleles (0.0028%); highest among the groups gnomAD compares: Middle Eastern, 0.066%; no homozygotes.

Submissions (4):

PreventionGenetics, part of Exact Sciences
Classification: Uncertain significance for LITAF-related condition. Last evaluated: 2026-04-08. Review status: criteria provided, single submitter. Criteria: ACMG Guidelines, 2015. Collection method: clinical testing. Allele origin: germline.
Comment: The LITAF c.239A>G variant is predicted to result in the amino acid substitution p.Tyr80Cys. This variant has been reported in an individual with Charcot-Marie-Tooth disease (Guimarães-Costa et al. 2017. PubMed ID: 28211240); however, this individual had another variant in LITAF and additionally, the p.Tyr80Cys variant was inherited from an unaffected parent. This variant is reported in 0.0071% of alleles in individuals of European (Non-Finnish) descent in gnomAD. At this time, the clinical significance of this variant is uncertain due to the absence of conclusive functional and genetic evidence.

Human Genetics Bochum, Ruhr University Bochum
Classification: Uncertain significance for Charcot-Marie-Tooth disease type 1C. Last evaluated: 2025-11-03. Review status: criteria provided, single submitter. Criteria: ACMG Guidelines, 2015. Collection method: clinical testing. Allele origin: germline. Affected: yes.
Comment: ACMG criteria used to clasify this variant: PM2_SUP, PP2, PP3

Labcorp Genetics (formerly Invitae), Labcorp
Classification: Uncertain significance for Charcot-Marie-Tooth disease type 1C. Last evaluated: 2025-07-14. Review status: criteria provided, single submitter. Criteria: Invitae Variant Classification Sherloc (09022015). Collection method: clinical testing. Allele origin: germline.
Comment: This sequence change replaces tyrosine, which is neutral and polar, with cysteine, which is neutral and slightly polar, at codon 80 of the LITAF protein (p.Tyr80Cys). This variant is present in population databases (rs539627278, gnomAD 0.007%). This missense change has been observed in individual(s) with CharcotMarieTooth (CMT) 1C (PMID: 28211240). This missense change has been observed in at least one individual who was not affected with LITAF-related conditions (PMID: 28211240). ClinVar contains an entry for this variant (Variation ID: 642426). An algorithm developed to predict the effect of missense changes on protein structure and function (PolyPhen-2) suggests that this variant is likely to be disruptive. In summary, the available evidence is currently insufficient to determine the role of this variant in disease. Therefore, it has been classified as a Variant of Uncertain Significance.

Centre for Mendelian Genomics, University Medical Centre Ljubljana
Classification: Uncertain significance for Charcot-Marie-Tooth disease type 1C. Last evaluated: 2019-08-12. Review status: criteria provided, single submitter. Criteria: ACMG Guidelines, 2015. Collection method: clinical testing. Allele origin: unknown. Affected: yes.
Comment: This variant was classified as: Uncertain significance. The available evidence on this variant's pathogenicity is insufficient or conflicting. The following ACMG criteria were applied in classifying this variant: PP3,BS2.

Literature cited by the submitters: PubMed 28211240 (cited by Human Genetics Bochum, Ruhr University Bochum and Labcorp Genetics (formerly Invitae), Labcorp).

NM_001136472.2(LITAF):c.239A>G (p.Tyr80Cys)

Gene: LITAF (lipopolysaccharide induced TNF factor; minus strand). Cytogenetic location: 16p13.13.
Variant type: single nucleotide variant.
Coding change: c.239A>G on transcript NM_001136472.2 (MANE Select); coding-DNA position 239, A replaced by G.
Protein change: p.Tyr80Cys; replaces tyrosine 80 with cysteine.
Molecular consequence: missense variant. On other transcripts: non-coding transcript variant (1).
Genome position (GRCh38, 1-based): chr16:11,553,671, T>C on the plus strand (A>G on the coding strand, the complement: LITAF is on the minus strand). VCF-style: chr16-11553671-T-C. GRCh37 (hg19) VCF-style: chr16-11647527-T-C.
Other names: c.239A>G, p.Tyr80Cys (NM_001136473.1, NM_004862.4); short protein forms Y80C.
Identifiers: ClinVar variation 642426 (VCV000642426.14), dbSNP rs539627278, ClinGen allele CA7904104.
Genomic context (GRCh38, chr16:11,553,671, plus strand): 5'-TTGCAGGAAGGACAACACATTTGGATAGGGCGGTCCAAAAAGGTGATGGGGTGCTGCACG[T>C]AGACCGTCTGCACGGTAACTGATGAAAGGGAGAGGGACAAACACAGGTTGCTCAGGAAAC-3'
Protein context (NP_001129944.1, residues 70-90): NNNPITVQTV[Tyr80Cys]VQHPITFLDR